The following is an entry in ClinVar:

ClinVar aggregate classification (germline): Benign/Likely benign. Review status: criteria provided, multiple submitters, no conflicts (2 of 4 stars). 5 submissions from 5 submitters: Benign (1); Likely benign (4). Last evaluated 2026-01-26.

Conditions:
Hereditary nonpolyposis colorectal neoplasms. Identifiers: MedGen C0009405, MeSH D003123.
Hereditary cancer-predisposing syndrome. Also called: Neoplastic Syndromes, Hereditary; Hereditary Cancer Syndrome; Hereditary neoplastic syndrome; Tumor predisposition. Identifiers: Orphanet 140162, MedGen C0027672, MeSH D009386, MONDO:0015356.
Lynch syndrome 5 (LYNCH5). Also called: Colorectal cancer, hereditary nonpolyposis, type 5; Hereditary non-polyposis colorectal cancer, type 5. Identifiers: Orphanet 144, MedGen C1833477, MONDO:0013710, OMIM 614350. Disease mechanism: loss of function.

Allele frequency attached by ClinVar (database versions not stated): TOPMed 0.00001.

Submissions (5):

Labcorp Genetics (formerly Invitae), Labcorp
Classification: Likely benign for Hereditary nonpolyposis colorectal neoplasms. Last evaluated: 2026-01-26. Review status: criteria provided, single submitter. Criteria: Invitae Variant Classification Sherloc (09022015). Collection method: clinical testing. Allele origin: germline.

Women's Health and Genetics/Laboratory Corporation of America, LabCorp
Classification: Likely benign. Last evaluated: 2025-03-28. Review status: criteria provided, single submitter. Criteria: LabCorp Variant Classification Summary - May 2015. Collection method: clinical testing. Allele origin: germline.

Myriad Genetics, Inc.
Classification: Benign for Lynch syndrome 5. Last evaluated: 2024-12-18. Review status: criteria provided, single submitter. Criteria: Myriad Autosomal Dominant, Autosomal Recessive and X-Linked Classification Criteria (2023). Collection method: clinical testing. Allele origin: unknown.
Comment: This variant is considered benign. This variant is a silent/synonymous amino acid change and it is not expected to impact splicing.

Blueprint Genetics
Classification: Likely benign. Last evaluated: 2024-04-24. Review status: criteria provided, single submitter. Criteria: ACMG Guidelines, 2015. Collection method: clinical testing. Allele origin: germline.

Ambry Genetics
Classification: Likely benign for Hereditary cancer-predisposing syndrome. Last evaluated: 2024-03-02. Review status: criteria provided, single submitter. Criteria: Ambry Variant Classification Scheme 2023. Collection method: clinical testing. Allele origin: germline.

NM_000179.3(MSH6):c.450A>G (p.Pro150=)

Gene: MSH6 (mutS homolog 6; plus strand). Cytogenetic location: 2p16.3.
Variant type: single nucleotide variant.
Coding change: c.450A>G on transcript NM_000179.3 (MANE Select); coding-DNA position 450, A replaced by G.
Protein change: p.Pro150=; no amino-acid change (proline 150 retained).
Molecular consequence: synonymous variant. On other transcripts: 5 prime UTR variant (2), intron variant (1).
Genome position (GRCh38, 1-based): chr2:47,791,116, A>G. VCF-style: chr2-47791116-A-G. GRCh37 (hg19) VCF-style: chr2-48018255-A-G.
Other names: c.-287A>G (NM_001281493.2); c.-453A>G (NM_001281494.2); c.238-7495A>G (NM_001281492.2).
Identifiers: ClinVar variation 455324 (VCV000455324.16), dbSNP rs1553410383, ClinGen allele CA425989612.